The following is an entry in ClinVar:

ClinVar aggregate classification (germline): Uncertain significance (1 of 4 stars; one submission).

Conditions:
Charcot-Marie-Tooth disease, type I (CMT1). Also called: Charcot-Marie-Tooth, Type 1; Charcot-Marie-Tooth disease type 1. Identifiers: Orphanet 65753, MedGen C0751036, MONDO:0019011.

Allele frequency attached by ClinVar (database versions not stated): gnomAD 0.00001; gnomAD exomes 0.00001; TOPMed 0.00001.
gnomAD v4.1: 5 of 1,613,734 alleles (0.00031%); highest among the groups gnomAD compares: Admixed American, 0.0033%; no homozygotes.

Submission:

Labcorp Genetics (formerly Invitae), Labcorp
Classification: Uncertain significance for Charcot-Marie-Tooth disease, type I. Last evaluated: 2023-06-24. Review status: criteria provided, single submitter. Criteria: Invitae Variant Classification Sherloc (09022015). Collection method: clinical testing. Allele origin: germline.
Comment: This variant has not been reported in the literature in individuals affected with EGR2-related conditions. Advanced modeling of protein sequence and biophysical properties (such as structural, functional, and spatial information, amino acid conservation, physicochemical variation, residue mobility, and thermodynamic stability) performed at Invitae indicates that this missense variant is not expected to disrupt EGR2 protein function. In summary, the available evidence is currently insufficient to determine the role of this variant in disease. Therefore, it has been classified as a Variant of Uncertain Significance. This variant is present in population databases (no rsID available, gnomAD 0.004%). This sequence change replaces glycine, which is neutral and non-polar, with arginine, which is basic and polar, at codon 179 of the EGR2 protein (p.Gly179Arg).

NM_000399.5(EGR2):c.535G>A (p.Gly179Arg)

Gene: EGR2 (early growth response 2; minus strand). Cytogenetic location: 10q21.3.
Variant type: single nucleotide variant.
Coding change: c.535G>A on transcript NM_000399.5 (MANE Select); coding-DNA position 535, G replaced by A.
Protein change: p.Gly179Arg; replaces glycine 179 with arginine.
Molecular consequence: missense variant.
Genome position (GRCh38, 1-based): chr10:62,814,103, C>T on the plus strand (G>A on the coding strand, the complement: EGR2 is on the minus strand). VCF-style: chr10-62814103-C-T. GRCh37 (hg19) VCF-style: chr10-64573863-C-T.
Other names: c.535G>A, p.Gly179Arg (NM_001136177.3, NM_001136178.2); c.385G>A, p.Gly129Arg (NM_001136179.3, NM_001321037.2); c.574G>A, p.Gly192Arg (NM_001410931.1); short protein forms G192R, G179R, G129R.
Identifiers: ClinVar variation 2902563 (VCV002902563.3), dbSNP rs1314006597, ClinGen allele CA377030092.